The following is an entry in ClinVar:

ClinVar aggregate classification (germline): Conflicting classifications of pathogenicity. Review status: criteria provided, conflicting classifications (1 of 4 stars). 4 submissions from 4 submitters: Uncertain significance (3); Likely benign (1). Last evaluated 2025-11-03.

Conditions:
Endometrial carcinoma. Also called: Endometrial carcinoma, somatic. Identifiers: MedGen C0476089, MONDO:0002447, OMIM 608089, HP:0012114.
Hereditary cancer-predisposing syndrome. Also called: Hereditary neoplastic syndrome; Neoplastic Syndromes, Hereditary; Hereditary Cancer Syndrome; Tumor predisposition. Identifiers: Orphanet 140162, MedGen C0027672, MeSH D009386, MONDO:0015356.

Allele frequency attached by ClinVar (database versions not stated): ExAC 0.00001; gnomAD exomes 0.00001; TOPMed 0.00001; gnomAD 0.00003 and 0.00004.
gnomAD v4.1: 15 of 1,612,256 alleles (0.00093%); highest among the groups gnomAD compares: African/African-American, 0.019%; no homozygotes.

Submissions (4):

Labcorp Genetics (formerly Invitae), Labcorp
Classification: Uncertain significance. Last evaluated: 2025-11-03. Review status: criteria provided, single submitter. Criteria: Invitae Variant Classification Sherloc (09022015). Collection method: clinical testing. Allele origin: germline.
Comment: This sequence change replaces glutamine, which is neutral and polar, with arginine, which is basic and polar, at codon 449 of the MSH3 protein (p.Gln449Arg). This variant is present in population databases (rs780395319, gnomAD 0.02%). This variant has not been reported in the literature in individuals affected with MSH3-related conditions. ClinVar contains an entry for this variant (Variation ID: 659138). An algorithm developed to predict the effect of missense changes on protein structure and function outputs the following: PolyPhen-2: "Benign". The arginine amino acid residue is found in multiple mammalian species, which suggests that this missense change does not adversely affect protein function. In summary, the available evidence is currently insufficient to determine the role of this variant in disease. Therefore, it has been classified as a Variant of Uncertain Significance.

Quest Diagnostics Nichols Institute San Juan Capistrano
Classification: Uncertain significance. Last evaluated: 2024-08-13. Review status: criteria provided, single submitter. Criteria: Quest Diagnostics criteria. Collection method: clinical testing. Allele origin: unknown.
Comment: The MSH3 c.1346A>G (p.Gln449Arg) variant has not been reported in individuals with MSH3-related conditions in the published literature. The frequency of this variant in the general population, 0.00016 (4/24944 chromosomes (Genome Aggregation Database)), is uninformative in the assessment of its pathogenicity. Analysis of this variant using bioinformatics tools for the prediction of the effect of amino acid changes on protein structure and function yielded predictions that this variant is benign. Based on the available information, we are unable to determine the clinical significance of this variant.

Baylor Genetics
Classification: Uncertain significance for Endometrial carcinoma. Last evaluated: 2023-12-21. Review status: criteria provided, single submitter. Criteria: ACMG Guidelines, 2015. Collection method: clinical testing. Allele origin: unknown.

Ambry Genetics
Classification: Likely benign for Hereditary cancer-predisposing syndrome. Last evaluated: 2020-09-03. Review status: criteria provided, single submitter. Criteria: Ambry Variant Classification Scheme 2023. Collection method: clinical testing. Allele origin: germline.

NM_002439.5(MSH3):c.1346A>G (p.Gln449Arg)

Gene: MSH3 (mutS homolog 3; plus strand). Cytogenetic location: 5q14.1.
Variant type: single nucleotide variant.
Coding change: c.1346A>G on transcript NM_002439.5 (MANE Select); coding-DNA position 1346, A replaced by G.
Protein change: p.Gln449Arg; replaces glutamine 449 with arginine.
Molecular consequence: missense variant.
Genome position (GRCh38, 1-based): chr5:80,725,458, A>G. VCF-style: chr5-80725458-A-G. GRCh37 (hg19) VCF-style: chr5-80021277-A-G.
Other names: short protein forms Q449R.
Identifiers: ClinVar variation 659138 (VCV000659138.15), dbSNP rs780395319, ClinGen allele CA3327881.